The following is an entry in ClinVar:

NM_014317.5(PDSS1):c.1027-11T>C

Gene: PDSS1 (decaprenyl diphosphate synthase subunit 1; plus strand). Cytogenetic location: 10p12.1.
Variant type: single nucleotide variant.
Coding change: c.1027-11T>C on transcript NM_014317.5 (MANE Select); 11 bases into the intron before coding-DNA position 1027, T replaced by C.
Molecular consequence: intron variant.
Genome position (GRCh38, 1-based): chr10:26,742,486, T>C. VCF-style: chr10-26742486-T-C. GRCh37 (hg19) VCF-style: chr10-27031415-T-C.
Other names: c.517-11T>C (NM_001321979.2); c.836-11T>C (NM_001321978.2).
Identifiers: ClinVar variation 516464 (VCV000516464.11), dbSNP rs142244210, ClinGen allele CA5447113.

ClinVar aggregate classification (germline): Benign/Likely benign. Review status: criteria provided, multiple submitters, no conflicts (2 of 4 stars). 4 submissions from 4 submitters: Benign (1); Likely benign (3). Last evaluated 2026-01-05.

Conditions:
Deafness-encephaloneuropathy-obesity-valvulopathy syndrome. Identifiers: Orphanet 254898, MedGen C3553354, MONDO:0013837, OMIM 614651.

Allele frequency attached by ClinVar (database versions not stated): gnomAD 0.00084 and 0.00076; ESP Exome Variant Server 0.00085; TOPMed 0.00090; 1000 Genomes Project 0.00160; gnomAD exomes 0.00005 and 0.00019; ExAC 0.00031.
gnomAD v4.1: 199 of 1,598,986 alleles (0.012%); highest among the groups gnomAD compares: African/African-American, 0.24%; no homozygotes.

Submissions (4):

Labcorp Genetics (formerly Invitae), Labcorp
Classification: Benign. Last evaluated: 2026-01-05. Review status: criteria provided, single submitter. Criteria: Invitae Variant Classification Sherloc (09022015). Collection method: clinical testing. Allele origin: germline.

Blueprint Genetics
Classification: Likely benign. Last evaluated: 2024-10-02. Review status: criteria provided, single submitter. Criteria: ACMG Guidelines, 2015. Collection method: clinical testing. Allele origin: germline.

Fulgent Genetics
Classification: Likely benign for Deafness-encephaloneuropathy-obesity-valvulopathy syndrome. Last evaluated: 2021-09-28. Review status: criteria provided, single submitter. Criteria: ACMG Guidelines, 2015. Collection method: clinical testing. Allele origin: unknown.

GeneDx
Classification: Likely benign. Last evaluated: 2017-09-12. Review status: criteria provided, single submitter. Criteria: GeneDx Variant Classification (06012015). Collection method: clinical testing. Allele origin: germline. Affected: yes.
Comment: This variant is considered likely benign or benign based on one or more of the following criteria: it is a conservative change, it occurs at a poorly conserved position in the protein, it is predicted to be benign by multiple in silico algorithms, and/or has population frequency not consistent with disease.